The following is an entry in ClinVar:

NM_000094.4(COL7A1):c.8657C>T (p.Thr2886Ile)

Gene: COL7A1 (collagen type VII alpha 1 chain; minus strand). Cytogenetic location: 3p21.31.
Variant type: single nucleotide variant.
Coding change: c.8657C>T on transcript NM_000094.4 (MANE Select); coding-DNA position 8657, C replaced by T.
Protein change: p.Thr2886Ile; replaces threonine 2886 with isoleucine.
Molecular consequence: missense variant.
Genome position (GRCh38, 1-based): chr3:48,564,944, G>A on the plus strand (C>T on the coding strand, the complement: COL7A1 is on the minus strand). VCF-style: chr3-48564944-G-A. GRCh37 (hg19) VCF-style: chr3-48602377-G-A.
Other names: short protein forms T2886I.
Identifiers: ClinVar variation 1507793 (VCV001507793.8), dbSNP rs2107625632, ClinGen allele CA352633431.

ClinVar aggregate classification (germline): Uncertain significance (1 of 4 stars; one submission).

Submission:

Labcorp Genetics (formerly Invitae), Labcorp
Classification: Uncertain significance. Last evaluated: 2025-04-14. Review status: criteria provided, single submitter. Criteria: Invitae Variant Classification Sherloc (09022015). Collection method: clinical testing. Allele origin: germline.
Comment: This sequence change replaces threonine, which is neutral and polar, with isoleucine, which is neutral and non-polar, at codon 2886 of the COL7A1 protein (p.Thr2886Ile). This variant is not present in population databases (gnomAD no frequency). This variant has not been reported in the literature in individuals affected with COL7A1-related conditions. ClinVar contains an entry for this variant (Variation ID: 1507793). Invitae Evidence Modeling of protein sequence and biophysical properties (such as structural, functional, and spatial information, amino acid conservation, physicochemical variation, residue mobility, and thermodynamic stability) indicates that this missense variant is not expected to disrupt COL7A1 protein function with a negative predictive value of 95%. In summary, the available evidence is currently insufficient to determine the role of this variant in disease. Therefore, it has been classified as a Variant of Uncertain Significance.